The following is an entry in ClinVar:

NM_000484.4(APP):c.1018G>T (p.Val340Leu)

Gene: APP (amyloid beta precursor protein; minus strand). Cytogenetic location: 21q21.3.
Variant type: single nucleotide variant.
Coding change: c.1018G>T on transcript NM_000484.4 (MANE Select); coding-DNA position 1018, G replaced by T.
Protein change: p.Val340Leu; replaces valine 340 with leucine.
Molecular consequence: missense variant. On other transcripts: intron variant (5).
Genome position (GRCh38, 1-based): chr21:26,000,030, C>A on the plus strand (G>T on the coding strand, the complement: APP is on the minus strand). VCF-style: chr21-26000030-C-A. GRCh37 (hg19) VCF-style: chr21-27372345-C-A.
Other names: c.1003G>T, p.Val335Leu (NM_001136016.3); c.850G>T, p.Val284Leu (NM_001136130.3); c.1018G>T, p.Val340Leu (NM_001204301.2, NM_001204302.2, NM_201413.3); c.761-17553G>T (NM_001136131.3); c.698-17553G>T (NM_001136129.3); c.866-17553G>T (NM_001204303.2, NM_201414.3); c.866-2614G>T (NM_001385253.1); short protein forms V335L, V284L, V340L.
Identifiers: ClinVar variation 2095832 (VCV002095832.4), dbSNP rs768499633, ClinGen allele CA409810938.

ClinVar aggregate classification (germline): Uncertain significance (1 of 4 stars; one submission).

Conditions:
Alzheimer disease. Also called: Alzheimer's disease; Presenile and senile dementia. Identifiers: Orphanet 1020, MedGen C0002395, MeSH D000544, MONDO:0004975, HP:0002511.

gnomAD v4.1: 1 of 1,614,060 alleles (0.000062%); highest among the groups gnomAD compares: Non-Finnish European, 0.000085%; no homozygotes.

Submission:

Labcorp Genetics (formerly Invitae), Labcorp
Classification: Uncertain significance for Alzheimer disease. Last evaluated: 2024-02-23. Review status: criteria provided, single submitter. Criteria: Invitae Variant Classification Sherloc (09022015). Collection method: clinical testing. Allele origin: germline.
Comment: This sequence change replaces valine, which is neutral and non-polar, with leucine, which is neutral and non-polar, at codon 340 of the APP protein (p.Val340Leu). This variant is present in population databases (no rsID available, gnomAD 0.0009%). This variant has not been reported in the literature in individuals affected with APP-related conditions. ClinVar contains an entry for this variant (Variation ID: 2095832). Advanced modeling of protein sequence and biophysical properties (such as structural, functional, and spatial information, amino acid conservation, physicochemical variation, residue mobility, and thermodynamic stability) performed at Invitae indicates that this missense variant is not expected to disrupt APP protein function with a negative predictive value of 95%. In summary, the available evidence is currently insufficient to determine the role of this variant in disease. Therefore, it has been classified as a Variant of Uncertain Significance.